The following is an entry in ClinVar:

ClinVar aggregate classification (germline): Uncertain significance. Review status: criteria provided, single submitter (1 of 4 stars). 2 submissions from 2 submitters: Uncertain significance (1). 1 of the submissions does not count toward it. Last evaluated 2025-06-26.

Conditions:
Shwachman syndrome. Also called: PANCREATIC INSUFFICIENCY AND BONE MARROW DYSFUNCTION; SHWACHMAN-BODIAN SYNDROME; Shwachman-Diamond Syndrome. Identifiers: Orphanet 811, MedGen C0272170, MONDO:0009833.
EFL1-related disorder. Also called: EFL1-related condition.

Allele frequency attached by ClinVar (database versions not stated): gnomAD exomes below 0.00001.

Submissions (2):

Broad Center for Mendelian Genomics, Broad Institute of MIT and Harvard
Classification: Uncertain significance for Shwachman syndrome. Last evaluated: 2025-06-26. Review status: criteria provided, single submitter. Criteria: ACMG Guidelines, 2015. Collection method: curation. Allele origin: germline. Inheritance: Autosomal recessive inheritance. Study: GREGoR Consortium.
Comment: Long read genome analysis revealed that this variant was in trans with the VUS. The p.Ser100Phe variant in EFL1 has not been previously reported in the literature in individuals with Shwachman-Diamond syndrome, and has been identified in 0.0002% (1/60012) of Admixed American chromosomes by the Genome Aggregation Database (gnomAD; dbSNP rs747935218). Although this variant has been seen in the general population in a heterozygous state, its frequency is low enough to be consistent with a recessive carrier frequency. This variant has also been reported in ClinVar (Variation ID: 3061307) and has been interpreted as a variant of uncertain significance by PreventionGenetics. Computational prediction tools and conservation analyses suggest that this variant may impact the protein, though this information is not predictive enough to determine pathogenicity. Furthermore, although this gene has been reported in association with Shwachman-Diamond syndrome, it currently has moderate evidence for these associations. In summary, the clinical significance of the p.Ser100Phe variant is uncertain. ACMG/AMP Criteria applied: PP3_moderate, PM2_supporting (Richards 2015).

PreventionGenetics, part of Exact Sciences
Classification: Uncertain significance for EFL1-related condition. Last evaluated: 2024-02-12. Review status: no assertion criteria provided. Collection method: clinical testing. Allele origin: germline. Not counted in ClinVar's aggregate classification.
Comment: The EFL1 c.299C>T variant is predicted to result in the amino acid substitution p.Ser100Phe. To our knowledge, this variant has not been reported in the literature or in a large population database, indicating this variant is rare. At this time, the clinical significance of this variant is uncertain due to the absence of conclusive functional and genetic evidence.

NM_024580.6(EFL1):c.299C>T (p.Ser100Phe)

Gene: EFL1 (elongation factor like GTPase 1; minus strand). Cytogenetic location: 15q25.2.
Variant type: single nucleotide variant.
Coding change: c.299C>T on transcript NM_024580.6 (MANE Select); coding-DNA position 299, C replaced by T.
Protein change: p.Ser100Phe; replaces serine 100 with phenylalanine.
Molecular consequence: missense variant. On other transcripts: 5 prime UTR variant (1), non-coding transcript variant (1).
Genome position (GRCh38, 1-based): chr15:82,241,349, G>A on the plus strand (C>T on the coding strand, the complement: EFL1 is on the minus strand). VCF-style: chr15-82241349-G-A. GRCh37 (hg19) VCF-style: chr15-82533690-G-A.
Other names: NM_024580.6(EFL1):c.299C>T; p.Ser100Phe; c.146C>T, p.Ser49Phe (NM_001040610.3); c.-491C>T (NM_001322844.2); c.299C>T, p.Ser100Phe (NM_001322845.2); short protein forms S100F, S49F.
Identifiers: ClinVar variation 3061307 (VCV003061307.3), dbSNP rs747935218, ClinGen allele CA273437085.